The following is an entry in ClinVar:

ClinVar aggregate classification (germline): Uncertain significance (1 of 4 stars; one submission).

Conditions:
Dystonic disorder. Also called: Dystonia. Identifiers: MedGen C0013421, MONDO:0003441, HP:0001332.

gnomAD v4.1: 14 of 1,612,404 alleles (0.00087%); highest among the groups gnomAD compares: Non-Finnish European, 0.0011%; no homozygotes.

Submission:

Labcorp Genetics (formerly Invitae), Labcorp
Classification: Uncertain significance for Dystonic disorder. Last evaluated: 2024-02-11. Review status: criteria provided, single submitter. Criteria: Invitae Variant Classification Sherloc (09022015). Collection method: clinical testing. Allele origin: germline.
Comment: This sequence change replaces asparagine, which is neutral and polar, with serine, which is neutral and polar, at codon 455 of the ANO3 protein (p.Asn455Ser). This variant is not present in population databases (gnomAD no frequency). This variant has not been reported in the literature in individuals affected with ANO3-related conditions. Advanced modeling of protein sequence and biophysical properties (such as structural, functional, and spatial information, amino acid conservation, physicochemical variation, residue mobility, and thermodynamic stability) performed at Invitae indicates that this missense variant is not expected to disrupt ANO3 protein function with a negative predictive value of 80%. In summary, the available evidence is currently insufficient to determine the role of this variant in disease. Therefore, it has been classified as a Variant of Uncertain Significance.

NM_031418.4(ANO3):c.1364A>G (p.Asn455Ser)

Gene: ANO3 (anoctamin 3; plus strand). Cytogenetic location: 11p14.2.
Variant type: single nucleotide variant.
Coding change: c.1364A>G on transcript NM_031418.4 (MANE Select); coding-DNA position 1364, A replaced by G.
Protein change: p.Asn455Ser; replaces asparagine 455 with serine.
Molecular consequence: missense variant.
Genome position (GRCh38, 1-based): chr11:26,553,323, A>G. VCF-style: chr11-26553323-A-G. GRCh37 (hg19) VCF-style: chr11-26574870-A-G.
Other names: c.1547A>G, p.Asn516Ser (NM_001313726.2); c.926A>G, p.Asn309Ser (NM_001313727.2); short protein forms N455S, N516S, N309S.
Identifiers: ClinVar variation 3672387 (VCV003672387.2).